The following is an entry in ClinVar:

NM_199242.3(UNC13D):c.2278G>A (p.Val760Ile)

Gene: UNC13D (unc-13 homolog D; minus strand). Cytogenetic location: 17q25.1.
Variant type: single nucleotide variant.
Coding change: c.2278G>A on transcript NM_199242.3 (MANE Select); coding-DNA position 2278, G replaced by A.
Protein change: p.Val760Ile; replaces valine 760 with isoleucine.
Molecular consequence: missense variant.
Genome position (GRCh38, 1-based): chr17:75,834,345, C>T on the plus strand (G>A on the coding strand, the complement: UNC13D is on the minus strand). VCF-style: chr17-75834345-C-T. GRCh37 (hg19) VCF-style: chr17-73830426-C-T.
Other names: short protein forms V760I.
Identifiers: ClinVar variation 656697 (VCV000656697.10), dbSNP rs143264522, ClinGen allele CA8772623.
Genomic context (GRCh38, chr17:75,834,345, plus strand): 5'-ACGGGATGGGATGGGGTGACTGTGCGGTCGGACAAGGTACCTGCTCGGCCAGGGTGCGGA[C>T]GCCAGTGCGGATCTCATGGCCCAGCCCGGCCAGCGCGCTCTGCAGCTGGGCATGCAGCGT-3'
Protein context (NP_954712.1, residues 750-770): AGLGHEIRTG[Val760Ile]RTLAEQLEVG

ClinVar aggregate classification (germline): Uncertain significance. Review status: criteria provided, multiple submitters, no conflicts (2 of 4 stars). 3 submissions from 3 submitters: Uncertain significance (3). Last evaluated 2024-04-08.

Conditions:
Familial hemophagocytic lymphohistiocytosis 3 (FHL3). Also called: UNC13D-Related Familial Hemophagocytic Lymphohistiocytosis (UNC13D-fHLH). Identifiers: Orphanet 540, MedGen C1837174, MONDO:0012146, OMIM 608898.

Allele frequency attached by ClinVar (database versions not stated): ESP Exome Variant Server 0.00031; TOPMed 0.00038; gnomAD 0.00044.
gnomAD v4.1: 133 of 1,594,822 alleles (0.0083%); highest among the groups gnomAD compares: African/African-American, 0.12%; 1 homozygote.

Submissions (3):

Blueprint Genetics
Classification: Uncertain significance. Last evaluated: 2024-04-08. Review status: criteria provided, single submitter. Criteria: ACMG Guidelines, 2015. Collection method: clinical testing. Allele origin: germline.

Labcorp Genetics (formerly Invitae), Labcorp
Classification: Uncertain significance for Familial hemophagocytic lymphohistiocytosis 3. Last evaluated: 2022-09-12. Review status: criteria provided, single submitter. Criteria: Invitae Variant Classification Sherloc (09022015). Collection method: clinical testing. Allele origin: germline.
Comment: This sequence change replaces valine, which is neutral and non-polar, with isoleucine, which is neutral and non-polar, at codon 760 of the UNC13D protein (p.Val760Ile). This variant is present in population databases (rs143264522, gnomAD 0.1%). This variant has not been reported in the literature in individuals affected with UNC13D-related conditions. ClinVar contains an entry for this variant (Variation ID: 656697). Advanced modeling of protein sequence and biophysical properties (such as structural, functional, and spatial information, amino acid conservation, physicochemical variation, residue mobility, and thermodynamic stability) performed at Invitae indicates that this missense variant is not expected to disrupt UNC13D protein function. In summary, the available evidence is currently insufficient to determine the role of this variant in disease. Therefore, it has been classified as a Variant of Uncertain Significance.

Baylor Genetics
Classification: Uncertain significance for Familial hemophagocytic lymphohistiocytosis 3. Last evaluated: 2019-09-13. Review status: criteria provided, single submitter. Criteria: ACMG Guidelines, 2015. Collection method: clinical testing. Allele origin: unknown. Affected: yes.
Comment: This variant was determined to be of uncertain significance according to ACMG Guidelines, 2015 [PMID:25741868].